The following is an entry in ClinVar:

NM_005267.5(GJA8):c.175C>T (p.Pro59Ser)

Gene: GJA8 (gap junction protein alpha 8; plus strand). Cytogenetic location: 1q21.2.
Variant type: single nucleotide variant.
Coding change: c.175C>T on transcript NM_005267.5 (MANE Select); coding-DNA position 175, C replaced by T.
Protein change: p.Pro59Ser; replaces proline 59 with serine.
Molecular consequence: missense variant.
Genome position (GRCh38, 1-based): chr1:147,908,130, C>T. VCF-style: chr1-147908130-C-T. GRCh37 (hg19) VCF-style: chr1-147380257-C-T.
Other names: short protein forms P59S.
Identifiers: ClinVar variation 1710337 (VCV001710337.1), dbSNP rs2524889317, ClinGen allele CA342223430.

ClinVar aggregate classification (germline): Likely pathogenic (1 of 4 stars; one submission).

Conditions:
Microphthalmia. Also called: Microphthalmos. Identifiers: MedGen C0026010, MONDO:0021129, HP:0000568.

Submission:

Genetics Department, University Hospital of Toulouse
Classification: Likely pathogenic for Microphthalmia. Last evaluated: 2022-10-15. Review status: criteria provided, single submitter. Criteria: ACMG Guidelines, 2015. Collection method: clinical testing. Allele origin: germline. Affected: yes.
Comment: LP (PS2, PM1, PM2, PP3)